The following is an entry in ClinVar:

ClinVar aggregate classification (germline): Benign/Likely benign. Review status: criteria provided, multiple submitters, no conflicts (2 of 4 stars). 10 submissions from 10 submitters: Benign (9); Likely benign (1). Last evaluated 2026-02-04.

Conditions:
Netherton syndrome (NETH). Also called: NETHERTON DISEASE; ERYTHRODERMA, ICHTHYOSIFORM, WITH HYPOTRICHOSIS AND HYPER-IgE; COMEL-NETHERTON SYNDROME. Identifiers: Orphanet 634, MedGen C5574950, MONDO:0009735, OMIM 256500.
Ichthyosis linearis circumflexa. Identifiers: MedGen C0265962, MONDO:0043106, HP:0025810.

Allele frequency attached by ClinVar (database versions not stated): TOPMed 0.44521; gnomAD 0.44615 and 0.44127; ExAC 0.50572; gnomAD exomes 0.51503 and 0.51977; ESP Exome Variant Server 0.42884; 1000 Genomes Project 30x 0.43036; 1000 Genomes Project 0.43151.

Submissions (10):

Labcorp Genetics (formerly Invitae), Labcorp
Classification: Benign for Ichthyosis linearis circumflexa. Last evaluated: 2026-02-04. Review status: criteria provided, single submitter. Criteria: Invitae Variant Classification Sherloc (09022015). Collection method: clinical testing. Allele origin: germline.

Women's Health and Genetics/Laboratory Corporation of America, LabCorp
Classification: Benign. Last evaluated: 2026-01-08. Review status: criteria provided, single submitter. Criteria: LabCorp Variant Classification Summary - May 2015. Collection method: clinical testing. Allele origin: germline.

Blueprint Genetics
Classification: Likely benign. Last evaluated: 2024-11-26. Review status: criteria provided, single submitter. Criteria: ACMG Guidelines, 2015. Collection method: clinical testing. Allele origin: germline.

Unidad de Genómica Garrahan, Hospital de Pediatría Garrahan
Classification: Benign. Last evaluated: 2024-01-24. Review status: criteria provided, single submitter. Criteria: ACMG Guidelines, 2015. Collection method: clinical testing. Allele origin: germline. Affected: no. Observed: 78 variant alleles.
Comment: This variant is classified as Benign based on local population frequency. This variant was detected in 89% of patients studied by a panel of primary immunodeficiencies. Number of patients: 78. Only high quality variants are reported.

Genome-Nilou Lab
Classification: Benign for Netherton syndrome. Last evaluated: 2021-07-15. Review status: criteria provided, single submitter. Criteria: ACMG Guidelines, 2015. Collection method: clinical testing. Allele origin: germline. Affected: no.

Mayo Clinic Laboratories, Mayo Clinic
Classification: Benign. Last evaluated: 2018-07-03. Review status: criteria provided, single submitter. Criteria: ACMG Guidelines, 2015. Collection method: clinical testing. Allele origin: germline. Observed: 98 variant alleles.

Illumina Laboratory Services, Illumina
Classification: Benign for Netherton syndrome. Last evaluated: 2018-03-06. Review status: criteria provided, single submitter. Criteria: ICSL Variant Classification Criteria 13 December 2019. Collection method: clinical testing. Allele origin: germline.
Comment: This variant was observed in the ICSL laboratory as part of a predisposition screen in an ostensibly healthy population. It had not been previously curated by ICSL or reported in the Human Gene Mutation Database (HGMD: prior to June 1st, 2018), and was therefore a candidate for classification through an automated scoring system. Utilizing variant allele frequency, disease prevalence and penetrance estimates, and inheritance mode, an automated score was calculated to assess if this variant is too frequent to cause the disease. Based on the score and internal cut-off values, a variant classified as benign is not then subjected to further curation. The score for this variant resulted in a classification of benign for this disease.

Laboratory for Molecular Medicine, Mass General Brigham Personalized Medicine
Classification: Benign. Last evaluated: 2016-03-28. Review status: criteria provided, single submitter. Criteria: LMM Criteria. Collection method: clinical testing. Allele origin: germline.
Comment: Variant identified in a genome or exome case(s) and assessed due to predicted null impact of the variant or pathogenic assertions in the literature or databases. Disclaimer: This variant has not undergone full assessment. The following are preliminary notes: Frequency. Variant hypothesized to influence skin permeability barrier and allergy. Another possible risk factor, but probably not reportable.

GeneDx
Classification: Benign. Last evaluated: 2015-03-03. Review status: criteria provided, single submitter. Criteria: GeneDx Variant Classification Process June 2021. Collection method: clinical testing. Allele origin: germline. Affected: yes.
Comment: This variant is associated with the following publications: (PMID: 11544479, 25458912, 22730493, 19534795)

PreventionGenetics, part of Exact Sciences
Classification: Benign. Review status: criteria provided, single submitter. Criteria: ACMG Guidelines, 2015. Collection method: clinical testing. Allele origin: germline.

NM_006846.4(SPINK5):c.1103G>A (p.Ser368Asn)

Gene: SPINK5 (serine peptidase inhibitor Kazal type 5; plus strand). Cytogenetic location: 5q32.
Variant type: single nucleotide variant.
Coding change: c.1103G>A on transcript NM_006846.4 (MANE Select); coding-DNA position 1103, G replaced by A.
Protein change: p.Ser368Asn; replaces serine 368 with asparagine.
Molecular consequence: missense variant.
Genome position (GRCh38, 1-based): chr5:148,100,464, G>A. VCF-style: chr5-148100464-G-A. GRCh37 (hg19) VCF-style: chr5-147480027-G-A.
Other names: c.1103G>A, p.Ser368Asn (NM_001127698.2, NM_001127699.2); short protein forms S368N.
Identifiers: ClinVar variation 260043 (VCV000260043.27), dbSNP rs2303063, ClinGen allele CA3495482.